The following is an entry in ClinVar:

ClinVar aggregate classification (germline): Uncertain significance. Review status: criteria provided, multiple submitters, no conflicts (2 of 4 stars). 2 submissions from 2 submitters: Uncertain significance (2). Last evaluated 2025-08-23.

Conditions:
Inborn genetic diseases. Identifiers: MedGen C0950123, MeSH D030342.

Allele frequency attached by ClinVar (database versions not stated): gnomAD exomes 0.00001; TOPMed 0.00001; ExAC 0.00002; gnomAD 0.00003.
gnomAD v4.1: 17 of 1,613,582 alleles (0.0011%); highest among the groups gnomAD compares: Admixed American, 0.005%; no homozygotes.

Submissions (2):

Ambry Genetics
Classification: Uncertain significance for Inborn genetic diseases. Last evaluated: 2025-08-23. Review status: criteria provided, single submitter. Criteria: Ambry Variant Classification Scheme 2023. Collection method: clinical testing. Allele origin: germline.

Labcorp Genetics (formerly Invitae), Labcorp
Classification: Uncertain significance. Last evaluated: 2022-06-24. Review status: criteria provided, single submitter. Criteria: Invitae Variant Classification Sherloc (09022015). Collection method: clinical testing. Allele origin: germline.
Comment: This sequence change replaces leucine, which is neutral and non-polar, with phenylalanine, which is neutral and non-polar, at codon 1165 of the ZNF335 protein (p.Leu1165Phe). This variant is present in population databases (rs755393287, gnomAD 0.008%). This variant has not been reported in the literature in individuals affected with ZNF335-related conditions. Algorithms developed to predict the effect of missense changes on protein structure and function output the following: SIFT: "Tolerated"; PolyPhen-2: "Benign"; Align-GVGD: "Class C0". The phenylalanine amino acid residue is found in multiple mammalian species, which suggests that this missense change does not adversely affect protein function. In summary, the available evidence is currently insufficient to determine the role of this variant in disease. Therefore, it has been classified as a Variant of Uncertain Significance.

NM_022095.4(ZNF335):c.3493C>T (p.Leu1165Phe)

Gene: ZNF335 (zinc finger protein 335; minus strand). Cytogenetic location: 20q13.12.
Variant type: single nucleotide variant.
Coding change: c.3493C>T on transcript NM_022095.4 (MANE Select); coding-DNA position 3493, C replaced by T.
Protein change: p.Leu1165Phe; replaces leucine 1165 with phenylalanine.
Molecular consequence: missense variant.
Genome position (GRCh38, 1-based): chr20:45,950,064, G>A on the plus strand (C>T on the coding strand, the complement: ZNF335 is on the minus strand). VCF-style: chr20-45950064-G-A. GRCh37 (hg19) VCF-style: chr20-44578703-G-A.
Other names: c.3493C>T (NM_022095.3); short protein forms L1165F.
Identifiers: ClinVar variation 2189998 (VCV002189998.5), dbSNP rs755393287, ClinGen allele CA9884996.